The following is an entry in ClinVar:

NM_000051.4(ATM):c.4255C>A (p.Leu1419Ile)

Gene: ATM (ATM serine/threonine kinase; plus strand). Cytogenetic location: 11q22.3.
Variant type: single nucleotide variant.
Coding change: c.4255C>A on transcript NM_000051.4 (MANE Select); coding-DNA position 4255, C replaced by A.
Protein change: p.Leu1419Ile; replaces leucine 1419 with isoleucine.
Molecular consequence: missense variant.
Genome position (GRCh38, 1-based): chr11:108,289,620, C>A. VCF-style: chr11-108289620-C-A. GRCh37 (hg19) VCF-style: chr11-108160347-C-A.
Other names: c.4255C>A, p.Leu1419Ile (NM_001351834.2); short protein forms L1419I.
Identifiers: ClinVar variation 2964247 (VCV002964247.3), dbSNP rs2135759542, ClinGen allele CA382531104.

ClinVar aggregate classification (germline): Uncertain significance (1 of 4 stars; one submission).

Conditions:
Ataxia-telangiectasia syndrome (AT). Also called: AT, COMPLEMENTATION GROUP C; ATAXIA-TELANGIECTASIA, COMPLEMENTATION GROUP A; ATAXIA-TELANGIECTASIA, FRESNO VARIANT; Ataxia-telangiectasia; Ataxia-telangiectasia, complementation group D; Ataxia-telangiectasia, complementation group E. Identifiers: Orphanet 100, MedGen C0004135, MONDO:0008840, OMIM 208900.

Allele frequency attached by ClinVar (database versions not stated): gnomAD exomes below 0.00001.
gnomAD v4.1: 1 of 1,605,312 alleles (0.000062%); highest among the groups gnomAD compares: Non-Finnish European, 0.000085%; no homozygotes.

Submission:

Labcorp Genetics (formerly Invitae), Labcorp
Classification: Uncertain significance for Ataxia-telangiectasia syndrome. Last evaluated: 2023-03-22. Review status: criteria provided, single submitter. Criteria: Invitae Variant Classification Sherloc (09022015). Collection method: clinical testing. Allele origin: germline.
Comment: This variant is not present in population databases (gnomAD no frequency). This sequence change replaces leucine, which is neutral and non-polar, with isoleucine, which is neutral and non-polar, at codon 1419 of the ATM protein (p.Leu1419Ile). This variant has not been reported in the literature in individuals affected with ATM-related conditions. In summary, the available evidence is currently insufficient to determine the role of this variant in disease. Therefore, it has been classified as a Variant of Uncertain Significance. An algorithm developed to predict the effect of missense changes on protein structure and function (PolyPhen-2) suggests that this variant is likely to be disruptive.